The following is an entry in ClinVar:

NM_016239.4(MYO15A):c.8788+8C>T

Gene: MYO15A (myosin XVA; plus strand). Cytogenetic location: 17p11.2.
Variant type: single nucleotide variant.
Coding change: c.8788+8C>T on transcript NM_016239.4 (MANE Select); 8 bases into the intron after coding-DNA position 8788, C replaced by T.
Molecular consequence: intron variant.
Genome position (GRCh38, 1-based): chr17:18,157,238, C>T. VCF-style: chr17-18157238-C-T. GRCh37 (hg19) VCF-style: chr17-18060552-C-T.
Identifiers: ClinVar variation 4822016 (VCV004822016.4).
Genomic context (GRCh38, chr17:18,157,238, plus strand): 5'-TCGCAGGAAGGTGGTGTACCTGGAGGAGCTGCGACGTAGAGGCCCCGACTTTGGTGTGTG[C>T]CCCAGAACCTGGAACCCCATACGGGGCGCATCCTAGTTTCACCCACTCGTGGTGCAGATG-3'

ClinVar aggregate classification (germline): Uncertain significance (1 of 4 stars; one submission).

Submission:

CeGaT Center for Human Genetics Tuebingen
Classification: Uncertain significance. Last evaluated: 2026-03-01. Review status: criteria provided, single submitter. Criteria: CeGaT Center For Human Genetics Tuebingen Variant Classification Criteria Version 2. Collection method: clinical testing. Allele origin: germline. Affected: yes. Observed: 1 variant allele.
Comment: MYO15A: PM2, BP4